The following is an entry in ClinVar:

NM_001277115.2(DNAH11):c.6416G>A (p.Arg2139Lys)

Gene: DNAH11 (dynein axonemal heavy chain 11; plus strand). Cytogenetic location: 7p15.3.
Variant type: single nucleotide variant.
Coding change: c.6416G>A on transcript NM_001277115.2 (MANE Select); coding-DNA position 6416, G replaced by A.
Protein change: p.Arg2139Lys; replaces arginine 2139 with lysine.
Molecular consequence: missense variant.
Genome position (GRCh38, 1-based): chr7:21,704,576, G>A. VCF-style: chr7-21704576-G-A. GRCh37 (hg19) VCF-style: chr7-21744194-G-A.
Other names: short protein forms R2139K.
Identifiers: ClinVar variation 238929 (VCV000238929.23), dbSNP rs140048925, ClinGen allele CA4180808.

ClinVar aggregate classification (germline): Benign/Likely benign. Review status: criteria provided, multiple submitters, no conflicts (2 of 4 stars). 7 submissions from 7 submitters: Benign (4); Likely benign (3). Last evaluated 2026-01-31.

Conditions:
Primary ciliary dyskinesia. Also called: Ciliary dyskinesia. Identifiers: Orphanet 244, MedGen C0008780, MONDO:0016575, HP:0012265.

Allele frequency attached by ClinVar (database versions not stated): gnomAD exomes 0.00115; ExAC 0.00139; ESP Exome Variant Server 0.00380; gnomAD 0.00445 and 0.00483; 1000 Genomes Project 0.00459; TOPMed 0.00516; 1000 Genomes Project 30x 0.00547.
gnomAD v4.1: 1,493 of 1,613,728 alleles (0.093%); highest among the groups gnomAD compares: African/African-American, 1.5%; 9 homozygotes.

Submissions (7):

Labcorp Genetics (formerly Invitae), Labcorp
Classification: Benign for Primary ciliary dyskinesia. Last evaluated: 2026-01-31. Review status: criteria provided, single submitter. Criteria: Invitae Variant Classification Sherloc (09022015). Collection method: clinical testing. Allele origin: germline.

Blueprint Genetics
Classification: Likely benign. Last evaluated: 2024-10-22. Review status: criteria provided, single submitter. Criteria: ACMG Guidelines, 2015. Collection method: clinical testing. Allele origin: germline.

Mayo Clinic Laboratories, Mayo Clinic
Classification: Benign. Last evaluated: 2024-10-16. Review status: criteria provided, single submitter. Criteria: ACMG Guidelines, 2015. Collection method: clinical testing. Allele origin: germline. Observed: 2 variant alleles.
Comment: BS1, BS2, BP4

Center for Pediatric Genomic Medicine, Children's Mercy Hospital and Clinics
Classification: Likely benign. Last evaluated: 2017-04-27. Review status: criteria provided, single submitter. Criteria: ACMG Guidelines, 2015. Collection method: clinical testing. Allele origin: germline.

GeneDx
Classification: Likely benign. Last evaluated: 2015-05-29. Review status: criteria provided, single submitter. Criteria: GeneDx Variant Classification (06012015). Collection method: clinical testing. Allele origin: germline. Affected: yes.
Comment: This variant is considered likely benign or benign based on one or more of the following criteria: it is a conservative change, it occurs at a poorly conserved position in the protein, it is predicted to be benign by multiple in silico algorithms, and/or has population frequency not consistent with disease.

Laboratory for Molecular Medicine, Mass General Brigham Personalized Medicine
Classification: Benign. Last evaluated: 2013-02-21. Review status: criteria provided, single submitter. Criteria: LMM Criteria. Collection method: clinical testing. Allele origin: germline. Observed: 1 variant allele.
Comment: Arg2139Lys in exon 38 of DNAH11: This variant is not expected to have clinical s ignificance because it has been identified in 1.1% (46/4016) of African American chromosomes from a broad population by the NHLBI Exome Sequencing Project (dbSNP rs140048925).

PreventionGenetics, part of Exact Sciences
Classification: Benign. Review status: criteria provided, single submitter. Criteria: ACMG Guidelines, 2015. Collection method: clinical testing. Allele origin: germline.